The following is an entry in ClinVar:

NM_000179.3(MSH6):c.628-10T>C

Gene: MSH6 (mutS homolog 6; plus strand). Cytogenetic location: 2p16.3.
Variant type: single nucleotide variant.
Coding change: c.628-10T>C on transcript NM_000179.3 (MANE Select); 10 bases into the intron before coding-DNA position 628, T replaced by C.
Molecular consequence: intron variant.
Genome position (GRCh38, 1-based): chr2:47,798,601, T>C. VCF-style: chr2-47798601-T-C. GRCh37 (hg19) VCF-style: chr2-48025740-T-C.
Other names: c.-279-10T>C (NM_001281493.2); c.238-10T>C (NM_001281492.2); c.-275-14T>C (NM_001281494.2).
Identifiers: ClinVar variation 455335 (VCV000455335.18), dbSNP rs779603037, ClinGen allele CA073208.

ClinVar aggregate classification (germline): Likely benign. Review status: criteria provided, multiple submitters, no conflicts (2 of 4 stars). 6 submissions from 6 submitters: Likely benign (5). 1 of the submissions does not count toward it. Last evaluated 2026-01-20.

Conditions:
MSH6-related disorder. Also called: MSH6-related condition; MSH6-Related disorders.
Hereditary nonpolyposis colorectal neoplasms. Identifiers: MedGen C0009405, MeSH D003123.
Hereditary cancer-predisposing syndrome. Also called: Hereditary Cancer Syndrome; Hereditary neoplastic syndrome; Neoplastic Syndromes, Hereditary; Tumor predisposition. Identifiers: Orphanet 140162, MedGen C0027672, MeSH D009386, MONDO:0015356.
Lynch syndrome 5 (LYNCH5). Also called: Hereditary non-polyposis colorectal cancer, type 5; Colorectal cancer, hereditary nonpolyposis, type 5. Identifiers: Orphanet 144, MedGen C1833477, MONDO:0013710, OMIM 614350. Disease mechanism: loss of function.

Allele frequency attached by ClinVar (database versions not stated): gnomAD exomes below 0.00001 and 0.00001; TOPMed 0.00001; ExAC 0.00002.
gnomAD v4.1: 1 of 1,608,222 alleles (0.000062%); highest among the groups gnomAD compares: Non-Finnish European, 0.000085%; no homozygotes.

Submissions (6):

Labcorp Genetics (formerly Invitae), Labcorp
Classification: Likely benign for Hereditary nonpolyposis colorectal neoplasms. Last evaluated: 2026-01-20. Review status: criteria provided, single submitter. Criteria: Invitae Variant Classification Sherloc (09022015). Collection method: clinical testing. Allele origin: germline.

Myriad Genetics, Inc.
Classification: Likely benign for Lynch syndrome 5. Last evaluated: 2024-12-19. Review status: criteria provided, single submitter. Criteria: Myriad Autosomal Dominant, Autosomal Recessive and X-Linked Classification Criteria (2023). Collection method: clinical testing. Allele origin: unknown.
Comment: This variant is considered likely benign. This variant is intronic and is not expected to impact mRNA splicing.

Sema4
Classification: Likely benign for Hereditary cancer-predisposing syndrome. Last evaluated: 2021-01-31. Review status: criteria provided, single submitter. Criteria: Sema4 Curation Guidelines. Collection method: curation. Allele origin: germline.

GeneDx
Classification: Likely benign. Last evaluated: 2018-07-03. Review status: criteria provided, single submitter. Criteria: GeneDx Variant Classification Process June 2021. Collection method: clinical testing. Allele origin: germline. Affected: yes.

Color Diagnostics, LLC DBA Color Health
Classification: Likely benign for Hereditary cancer-predisposing syndrome. Last evaluated: 2017-08-10. Review status: criteria provided, single submitter. Criteria: ACMG Guidelines, 2015. Collection method: clinical testing. Allele origin: germline.

PreventionGenetics, part of Exact Sciences
Classification: Likely benign for MSH6-related condition. Last evaluated: 2024-07-03. Review status: no assertion criteria provided. Collection method: clinical testing. Allele origin: germline. Not counted in ClinVar's aggregate classification.
Comment: This variant is classified as likely benign based on ACMG/AMP sequence variant interpretation guidelines (Richards et al. 2015 PMID: 25741868, with internal and published modifications).